The following is an entry in ClinVar:

ClinVar aggregate classification (germline): Uncertain significance (1 of 4 stars; one submission).

Conditions:
Developmental and epileptic encephalopathy, 34 (DEE34). Also called: SLC12A5-Related Epilepsy of Infancy with Migrating Focal Seizures; Early infantile epileptic encephalopathy 34. Identifiers: Orphanet 293181, MedGen C4225257, MONDO:0014718, OMIM 616645.

Allele frequency attached by ClinVar (database versions not stated): gnomAD exomes below 0.00001.
gnomAD v4.1: 1 of 1,614,128 alleles (0.000062%); highest among the groups gnomAD compares: Non-Finnish European, 0.000085%; no homozygotes.

Submission:

Labcorp Genetics (formerly Invitae), Labcorp
Classification: Uncertain significance for Developmental and epileptic encephalopathy, 34. Last evaluated: 2020-10-08. Review status: criteria provided, single submitter. Criteria: Invitae Variant Classification Sherloc (09022015). Collection method: clinical testing. Allele origin: germline.
Comment: In summary, the available evidence is currently insufficient to determine the role of this variant in disease. Therefore, it has been classified as a Variant of Uncertain Significance. Advanced modeling of protein sequence and biophysical properties (such as structural, functional, and spatial information, amino acid conservation, physicochemical variation, residue mobility, and thermodynamic stability) performed at Invitae indicates that this missense variant is expected to disrupt SLC12A5 protein function. This variant has not been reported in the literature in individuals with SLC12A5-related conditions. This variant is not present in population databases (ExAC no frequency). This sequence change replaces arginine with cysteine at codon 590 of the SLC12A5 protein (p.Arg590Cys). The arginine residue is highly conserved and there is a large physicochemical difference between arginine and cysteine.

NM_020708.5(SLC12A5):c.1768C>T (p.Arg590Cys)

Gene: SLC12A5 (solute carrier family 12 member 5; plus strand). Cytogenetic location: 20q13.12.
Variant type: single nucleotide variant.
Coding change: c.1768C>T on transcript NM_020708.5 (MANE Select); coding-DNA position 1768, C replaced by T.
Protein change: p.Arg590Cys; replaces arginine 590 with cysteine.
Molecular consequence: missense variant.
Genome position (GRCh38, 1-based): chr20:46,046,417, C>T. VCF-style: chr20-46046417-C-T. GRCh37 (hg19) VCF-style: chr20-44675056-C-T.
Other names: c.1837C>T, p.Arg613Cys (NM_001134771.2); short protein forms R590C, R613C.
Identifiers: ClinVar variation 1042267 (VCV001042267.7), dbSNP rs2084595756, ClinGen allele CA409197470.
Genomic context (GRCh38, chr20:46,046,417, plus strand): 5'-ATGTTTGTGAATCTGGCCTGTGCAGTGCAGACGCTGCTGAGGACACCCAACTGGAGGCCA[C>T]GCTTTCGATATTACCACTGGTGGGTGCTCTGTCCCCACACTTCCACTGAGCCACTTGCTC-3'
Protein context (NP_065759.1, residues 580-600): TLLRTPNWRP[Arg590Cys]FRYYHWTLSF